The following is an entry in ClinVar:

NM_002528.7(NTHL1):c.540C>A (p.Tyr180Ter)

Gene: NTHL1 (nth like DNA glycosylase 1; minus strand). Cytogenetic location: 16p13.3.
Variant type: single nucleotide variant.
Coding change: c.540C>A on transcript NM_002528.7 (MANE Select); coding-DNA position 540, C replaced by A.
Protein change: p.Tyr180Ter; replaces tyrosine 180 with a stop codon.
Molecular consequence: nonsense.
Genome position (GRCh38, 1-based): chr16:2,043,712, G>T on the plus strand (C>A on the coding strand, the complement: NTHL1 is on the minus strand). VCF-style: chr16-2043712-G-T. GRCh37 (hg19) VCF-style: chr16-2093713-G-T.
Other names: c.369C>A, p.Tyr123Ter (NM_001318193.2); c.210C>A, p.Tyr70Ter (NM_001318194.2); short protein forms Y123*, Y180*, Y70*.
Identifiers: ClinVar variation 3881358 (VCV003881358.2).

ClinVar aggregate classification (germline): Pathogenic. Review status: criteria provided, multiple submitters, no conflicts (2 of 4 stars). 2 submissions from 2 submitters: Pathogenic (2). Last evaluated 2025-01-20.

Conditions:
Familial adenomatous polyposis 3. Also called: NTHL1-related attenuated familial adenomatous polyposis; NTHL1 Tumor Syndrome; NTHL1-associated polyposis; NTHL1-Related Adenomatous Polyposis and Colorectal Cancer. Identifiers: Orphanet 220460, Orphanet 454840, MedGen C4225157, MONDO:0014630, OMIM 616415.
Hereditary cancer-predisposing syndrome. Also called: Hereditary Cancer Syndrome; Neoplastic Syndromes, Hereditary; Hereditary neoplastic syndrome; Tumor predisposition. Identifiers: Orphanet 140162, MedGen C0027672, MeSH D009386, MONDO:0015356.

Submissions (2):

Ambry Genetics
Classification: Pathogenic for Hereditary cancer-predisposing syndrome. Last evaluated: 2025-01-20. Review status: criteria provided, single submitter. Criteria: Ambry Variant Classification Scheme 2023. Collection method: clinical testing. Allele origin: germline.
Comment: The p.Y188* pathogenic mutation (also known as c.564C>A), located in coding exon 4 of the NTHL1 gene, results from a C to A substitution at nucleotide position 564. This changes the amino acid from a tyrosine to a stop codon within coding exon 4. This variant is considered to be rare based on population cohorts in the Genome Aggregation Database (gnomAD). This alteration is expected to result in loss of function by premature protein truncation or nonsense-mediated mRNA decay. As such, this alteration is interpreted as a disease-causing mutation.

Myriad Genetics, Inc.
Classification: Pathogenic for Familial adenomatous polyposis 3. Last evaluated: 2024-12-23. Review status: criteria provided, single submitter. Criteria: Myriad Autosomal Dominant, Autosomal Recessive and X-Linked Classification Criteria (2023). Collection method: clinical testing. Allele origin: unknown.
Comment: This variant is considered pathogenic. This variant creates a termination codon and is predicted to result in premature protein truncation.